The following is an entry in ClinVar:

ClinVar aggregate classification (germline): Likely pathogenic (1 of 4 stars; one submission).

Conditions:
Focal segmental glomerulosclerosis 7 (FSGS7). Identifiers: Orphanet 656, MedGen C4014925, MONDO:0014451, OMIM 616002.
Renal coloboma syndrome (PAPRS). Also called: PAPILLORENAL SYNDROME; COLOBOMA OF OPTIC NERVE WITH RENAL DISEASE; OPTIC COLOBOMA, VESICOURETERAL REFLUX, AND RENAL ANOMALIES; OPTIC NERVE COLOBOMA WITH RENAL DISEASE; RENAL-COLOBOMA SYNDROME WITH MACULAR ABNORMALITIES; PAPILLORENAL SYNDROME WITH MILD OCULAR ABNORMALITIES. Identifiers: Orphanet 1475, MedGen C1852759, MONDO:0007352, OMIM 120330.

Submission:

Labcorp Genetics (formerly Invitae), Labcorp
Classification: Likely pathogenic for Renal coloboma syndrome; Focal segmental glomerulosclerosis 7. Last evaluated: 2024-01-07. Review status: criteria provided, single submitter. Criteria: Invitae Variant Classification Sherloc (09022015). Collection method: clinical testing. Allele origin: unknown.
Comment: This variant results in a copy number gain of the genomic region encompassing exon(s) 6 of the PAX2 gene. While the exact position of this variant cannot be determined from the data, sub-genic copy number gains are generally in tandem (PMID: 25640679). This variant is predicted to be out-of-frame, and may result in an absent or disrupted protein product. Loss-of-function variants in PAX2 are known to be pathogenic (PMID: 11461952, 24676634, 35444690). A similar copy number variant has been observed in individual(s) with PAX2-related conditions (Invitae). In summary, the currently available evidence indicates that the variant is pathogenic, but additional data are needed to prove that conclusively. Therefore, this variant has been classified as Likely Pathogenic.

Literature cited by the submitters: PubMed 25640679; PubMed 11461952; PubMed 24676634; PubMed 35444690.

NC_000010.10:g.(?_102566167)_(102566382_?)dup

Gene: PAX2 (paired box 2; plus strand). Cytogenetic location: 10q24.31.
Variant type: Duplication.
Identifiers: ClinVar variation 3244844 (VCV003244844.1).